The following is an entry in ClinVar:

ClinVar aggregate classification (germline): Pathogenic. Review status: criteria provided, single submitter (1 of 4 stars). 2 submissions from 2 submitters: Pathogenic (1). 1 of the submissions does not count toward it. Last evaluated 2024-03-09.

Conditions:
Diamond-Blackfan anemia 7 (DBA7). Also called: RPL11-Related Diamond-Blackfan Anemia. Identifiers: Orphanet 124, MedGen C2675512, MONDO:0012938, OMIM 612562.
Diamond-Blackfan anemia. Also called: Blackfan Diamond syndrome; Aregenerative anemia chronic congenital; Red cell aplasia, pure hereditary; Congenital hypoplastic anemia; Aase syndrome. Identifiers: Orphanet 124, MedGen C1260899, MeSH D029503, MONDO:0015253, HP:0004810.

Submissions (2):

Labcorp Genetics (formerly Invitae), Labcorp
Classification: Pathogenic for Diamond-Blackfan anemia. Last evaluated: 2024-03-09. Review status: criteria provided, single submitter. Criteria: Invitae Variant Classification Sherloc (09022015). Collection method: clinical testing. Allele origin: germline.
Comment: This sequence change affects an acceptor splice site in intron 2 of the RPL11 gene. It is expected to disrupt RNA splicing. Variants that disrupt the donor or acceptor splice site typically lead to a loss of protein function (PMID: 16199547), and loss-of-function variants in RPL11 are known to be pathogenic (PMID: 19061985, 19773262). This variant is not present in population databases (gnomAD no frequency). Disruption of this splice site has been observed in individual(s) with Diamond-Blackfan anemia (PMID: 19061985). In at least one individual the variant was observed to be de novo. ClinVar contains an entry for this variant (Variation ID: 5754). Algorithms developed to predict the effect of sequence changes on RNA splicing suggest that this variant may disrupt the consensus splice site. For these reasons, this variant has been classified as Pathogenic.

OMIM
Classification: Pathogenic for DIAMOND-BLACKFAN ANEMIA 7. Last evaluated: 2008-12-01. Review status: no assertion criteria provided. Collection method: literature only. Allele origin: germline. Not counted in ClinVar's aggregate classification.

Literature cited by the submitters: PubMed 16199547 (cited by Labcorp Genetics (formerly Invitae), Labcorp); PubMed 19061985 (cited by Labcorp Genetics (formerly Invitae), Labcorp and OMIM); PubMed 19773262 (cited by Labcorp Genetics (formerly Invitae), Labcorp).

NM_000975.5(RPL11):c.158-1G>A

Gene: RPL11 (ribosomal protein L11; plus strand). Cytogenetic location: 1p36.11.
Variant type: single nucleotide variant.
Coding change: c.158-1G>A on transcript NM_000975.5 (MANE Select); the canonical splice acceptor site of the intron before coding-DNA position 158, G replaced by A.
Molecular consequence: splice acceptor variant.
Genome position (GRCh38, 1-based): chr1:23,693,806, G>A. VCF-style: chr1-23693806-G-A. GRCh37 (hg19) VCF-style: chr1-24020296-G-A.
Other names: IVS2AS, G-A, -1; c.155-1G>A (NM_001199802.1).
Identifiers: ClinVar variation 5754 (VCV000005754.12), dbSNP rs151155897, ClinGen allele CA19285819.
Genomic context (GRCh38, chr1:23,693,806, plus strand): 5'-AAAGAGGTGAGTGTAGTGGGGGTATGATGGCATCTGACTCCTTGTTACCCACTTCCTGCA[G>A]CTAGATACACTGTCAGATCCTTTGGCATCCGGAGAAATGAAAAGATTGCTGTCCACTGCA-3'